The following is an entry in ClinVar:

NM_000046.5(ARSB):c.236G>A (p.Gly79Glu)

Genes: ARSB (arylsulfatase B; minus strand), LOC129994126 (ATAC-STARR-seq lymphoblastoid silent region 16127; plus strand). Cytogenetic location: 5q14.1.
Variant type: single nucleotide variant.
Coding change: c.236G>A on transcript NM_000046.5 (MANE Select); coding-DNA position 236, G replaced by A.
Protein change: p.Gly79Glu; replaces glycine 79 with glutamic acid.
Molecular consequence: missense variant.
Genome position (GRCh38, 1-based): chr5:78,985,013, C>T on the plus strand (G>A on the coding strand, the complement: ARSB is on the minus strand). VCF-style: chr5-78985013-C-T. GRCh37 (hg19) VCF-style: chr5-78280836-C-T.
Other names: c.236G>A, p.Gly79Glu (NM_198709.3); short protein forms G79E.
Identifiers: ClinVar variation 559743 (VCV000559743.2), dbSNP rs1271212818, ClinGen allele CA360196638.
Genomic context (GRCh38, chr5:78,985,013, plus strand): 5'-AGCAGCTGGCTCCGCGACGGCGTGCACAGCGGCTGCGTGTAGTAGTTGTCCAGGAGCACC[C>T]CGCCGGCCGCCAGCGCGTCCAGGTGCGGCGTGCGGATGCGGGAGCCGTGGAAGCCGACGT-3'
Protein context (NP_000037.2, residues 69-89): TPHLDALAAG[Gly79Glu]VLLDNYYTQP

ClinVar aggregate classification (germline): Conflicting classifications of pathogenicity. Review status: criteria provided, conflicting classifications (1 of 4 stars). 2 submissions from 2 submitters: Likely pathogenic (1); Uncertain significance (1). Last evaluated 2024-01-16.

Conditions:
Mucopolysaccharidosis type 6 (MPS6). Also called: N-ACETYLGALACTOSAMINE-4-SULFATASE DEFICIENCY; MPS VI; MPS 6; Maroteaux Lamy syndrome; ARSB DEFICIENCY; ARYLSULFATASE B DEFICIENCY. Identifiers: Orphanet 583, MedGen C0026709, MONDO:0009661, OMIM 253200.

Allele frequency attached by ClinVar (database versions not stated): gnomAD 0.00001; TOPMed below 0.00001.
gnomAD v4.1: 2 of 1,539,052 alleles (0.00013%); highest among the groups gnomAD compares: African/African-American, 0.0014%; no homozygotes.

Submissions (2):

Baylor Genetics
Classification: Likely pathogenic for Mucopolysaccharidosis type 6. Last evaluated: 2024-01-16. Review status: criteria provided, single submitter. Criteria: ACMG Guidelines, 2015. Collection method: clinical testing. Allele origin: unknown.

Laboratory of Diagnosis and Therapy of Lysosomal Disorders, University of Padova
Classification: Uncertain significance for Mucopolysaccharidosis type 6. Last evaluated: 2018-01-01. Review status: criteria provided, single submitter. Criteria: ACMG Guidelines, 2015. Collection method: curation. Allele origin: germline. Affected: yes.
Comment: Absent from GnomAD (PM2)

Literature cited by the submitters: PubMed 28884960 (cited by Laboratory of Diagnosis and Therapy of Lysosomal Disorders, University of Padova); PubMed 30118150 (cited by Laboratory of Diagnosis and Therapy of Lysosomal Disorders, University of Padova).